The following is an entry in ClinVar:

NM_198994.3(TGM6):c.1094-6G>T

Gene: TGM6 (transglutaminase 6; plus strand). Cytogenetic location: 20p13.
Variant type: single nucleotide variant.
Coding change: c.1094-6G>T on transcript NM_198994.3 (MANE Select); 6 bases into the intron before coding-DNA position 1094, G replaced by T.
Molecular consequence: intron variant.
Genome position (GRCh38, 1-based): chr20:2,403,575, G>T. VCF-style: chr20-2403575-G-T. GRCh37 (hg19) VCF-style: chr20-2384221-G-T.
Other names: p.?; c.1094-6G>T (NM_001254734.2).
Identifiers: ClinVar variation 736895 (VCV000736895.10), dbSNP rs145554251, ClinGen allele CA9731973.
Genomic context (GRCh38, chr20:2,403,575, plus strand): 5'-GTGGGGTAAGTTCCAGACCCCTGCTTTTCCTTACCCATGCTGCTCATGCCCACCCCTCCT[G>T]CCCAGGTGTGTTCCGGTGCGGCCCAGCCTCAGTCACCGCCATCCGCGAGGGTGATGTGCA-3'

ClinVar aggregate classification (germline): Benign/Likely benign. Review status: criteria provided, multiple submitters, no conflicts (2 of 4 stars). 3 submissions from 3 submitters: Benign (2); Likely benign (1). Last evaluated 2025-10-26.

Allele frequency attached by ClinVar (database versions not stated): gnomAD exomes 0.00009 and 0.00021; ExAC 0.00027; gnomAD 0.00068 and 0.00071; TOPMed 0.00089; 1000 Genomes Project 30x 0.00109; ESP Exome Variant Server 0.00115; 1000 Genomes Project 0.00120.
gnomAD v4.1: 234 of 1,614,016 alleles (0.014%); highest among the groups gnomAD compares: African/African-American, 0.27%; no homozygotes.

Submissions (3):

Labcorp Genetics (formerly Invitae), Labcorp
Classification: Benign. Last evaluated: 2025-10-26. Review status: criteria provided, single submitter. Criteria: Invitae Variant Classification Sherloc (09022015). Collection method: clinical testing. Allele origin: germline.

Mayo Clinic Laboratories, Mayo Clinic
Classification: Likely benign. Last evaluated: 2025-03-25. Review status: criteria provided, single submitter. Criteria: ACMG Guidelines, 2015. Collection method: clinical testing. Allele origin: germline. Observed: 1 variant allele.
Comment: BS1, BP4, BP7

Athena Diagnostics
Classification: Benign. Last evaluated: 2020-04-01. Review status: criteria provided, single submitter. Criteria: Athena Diagnostics Criteria. Collection method: clinical testing. Allele origin: unknown.